The following is an entry in ClinVar:

NM_000350.3(ABCA4):c.2967del (p.Gly991fs)

Gene: ABCA4 (ATP binding cassette subfamily A member 4; minus strand). Cytogenetic location: 1p22.1.
Variant type: Deletion.
Coding change: c.2967del on transcript NM_000350.3 (MANE Select); coding-DNA position 2967, one base deleted (T; older notation c.2967delT).
Protein change: p.Gly991fs; shifts the reading frame from glycine 991.
Molecular consequence: frameshift variant.
Genome position (GRCh38, 1-based): chr1:94,044,696, A deleted on the plus strand (T on the coding strand, the reverse complement: ABCA4 is on the minus strand); the first of 2 consecutive A bases (chr1:94,044,696-94,044,697); deleting either gives the same sequence. VCF-style (leftmost placement, unchanged base first): chr1-94044695-CA-C. GRCh37 (hg19) VCF-style: chr1-94510251-CA-C.
Other names: c.2744delT, p.Gly917Glufs (NM_001425324.1); short protein forms G991fs.
Identifiers: ClinVar variation 1070445 (VCV001070445.7), dbSNP rs2101053527, ClinGen allele CA2499214892.
Genomic context (GRCh38, chr1:94,044,695, plus strand): 5'-GTGGACACATGCCAAGGCTCTGCCGGACTGCATCCAGGCTGGTTTCAATGTCCCTTCCCC[CA>C]ACGAGCACAGTCCCAGAGGTTGGTGGCAACAGACCCGTCAGGATGGACCTGCAGAACACA-3'

ClinVar aggregate classification (germline): Pathogenic (1 of 4 stars; one submission).

Submission:

Labcorp Genetics (formerly Invitae), Labcorp
Classification: Pathogenic. Last evaluated: 2022-03-10. Review status: criteria provided, single submitter. Criteria: Invitae Variant Classification Sherloc (09022015). Collection method: clinical testing. Allele origin: germline.
Comment: For these reasons, this variant has been classified as Pathogenic. ClinVar contains an entry for this variant (Variation ID: 1070445). This variant has not been reported in the literature in individuals affected with ABCA4-related conditions. This variant is not present in population databases (gnomAD no frequency). This sequence change creates a premature translational stop signal (p.Gly991Glufs*40) in the ABCA4 gene. It is expected to result in an absent or disrupted protein product. Loss-of-function variants in ABCA4 are known to be pathogenic (PMID: 10958761, 24938718, 25312043, 26780318).

Literature cited by the submitters: PubMed 10958761; PubMed 24938718; PubMed 25312043; PubMed 26780318.